The following is an entry in ClinVar:

NM_005585.5(SMAD6):c.757G>A (p.Ala253Thr)

Gene: SMAD6 (SMAD family member 6; plus strand). Cytogenetic location: 15q22.31.
Variant type: single nucleotide variant.
Coding change: c.757G>A on transcript NM_005585.5 (MANE Select); coding-DNA position 757, G replaced by A.
Protein change: p.Ala253Thr; replaces alanine 253 with threonine.
Molecular consequence: missense variant. On other transcripts: non-coding transcript variant (1).
Genome position (GRCh38, 1-based): chr15:66,704,015, G>A. VCF-style: chr15-66704015-G-A. GRCh37 (hg19) VCF-style: chr15-66996353-G-A.
Other names: c.757G>A (NM_005585.4); short protein forms A253T.
Identifiers: ClinVar variation 1022217 (VCV001022217.10), dbSNP rs1893050180, ClinGen allele CA392950184.
Genomic context (GRCh38, chr15:66,704,015, plus strand): 5'-CCCGACCTGCAGCACGCCGTGGAGCTGAAGCCCCTGTGCGGCTGCCACAGCTTCGCCGCC[G>A]CCGCCGACGGCCCTACCGTGTGCTGCAACCCCTACCACTTCAGCCGGCTCTGCGGGCCCG-3'
Protein context (NP_005576.3, residues 243-263): PLCGCHSFAA[Ala253Thr]ADGPTVCCNP

ClinVar aggregate classification (germline): Uncertain significance. Review status: criteria provided, multiple submitters, no conflicts (2 of 4 stars). 2 submissions from 2 submitters: Uncertain significance (2). Last evaluated 2024-03-21.

Conditions:
Inborn genetic diseases. Identifiers: MedGen C0950123, MeSH D030342.
Aortic valve disease 2 (AOVD2). Identifiers: MedGen C3542024, MONDO:0013902, OMIM 614823.

Allele frequency attached by ClinVar (database versions not stated): gnomAD exomes below 0.00001.
gnomAD v4.1: 3 of 1,500,334 alleles (0.0002%); highest among the groups gnomAD compares: Admixed American, 0.0021%; no homozygotes.

Submissions (2):

Labcorp Genetics (formerly Invitae), Labcorp
Classification: Uncertain significance for Aortic valve disease 2. Last evaluated: 2024-03-21. Review status: criteria provided, single submitter. Criteria: Invitae Variant Classification Sherloc (09022015). Collection method: clinical testing. Allele origin: germline.
Comment: This sequence change replaces alanine, which is neutral and non-polar, with threonine, which is neutral and polar, at codon 253 of the SMAD6 protein (p.Ala253Thr). This variant is not present in population databases (gnomAD no frequency). This variant has not been reported in the literature in individuals affected with SMAD6-related conditions. ClinVar contains an entry for this variant (Variation ID: 1022217). Advanced modeling of protein sequence and biophysical properties (such as structural, functional, and spatial information, amino acid conservation, physicochemical variation, residue mobility, and thermodynamic stability) performed at Invitae indicates that this missense variant is not expected to disrupt SMAD6 protein function with a negative predictive value of 80%. In summary, the available evidence is currently insufficient to determine the role of this variant in disease. Therefore, it has been classified as a Variant of Uncertain Significance.

Ambry Genetics
Classification: Uncertain significance for Inborn genetic diseases. Last evaluated: 2023-03-31. Review status: criteria provided, single submitter. Criteria: Ambry Variant Classification Scheme 2023. Collection method: clinical testing. Allele origin: germline.
Comment: The p.A253T variant (also known as c.757G>A), located in coding exon 1 of the SMAD6 gene, results from a G to A substitution at nucleotide position 757. The alanine at codon 253 is replaced by threonine, an amino acid with similar properties. This amino acid position is conserved. In addition, this alteration is predicted to be tolerated by in silico analysis. Since supporting evidence is limited at this time, the clinical significance of this alteration remains unclear.